The following is an entry in ClinVar:

ClinVar aggregate classification (germline): Uncertain significance. Review status: criteria provided, multiple submitters, no conflicts (2 of 4 stars). 2 submissions from 2 submitters: Uncertain significance (2). Last evaluated 2023-01-17.

Allele frequency attached by ClinVar (database versions not stated): gnomAD 0.00001; gnomAD exomes 0.00002; ExAC 0.00006.
gnomAD v4.1: 34 of 1,613,714 alleles (0.0021%); highest among the groups gnomAD compares: South Asian, 0.035%; no homozygotes.

Submissions (2):

Labcorp Genetics (formerly Invitae), Labcorp
Classification: Uncertain significance. Last evaluated: 2023-01-17. Review status: criteria provided, single submitter. Criteria: Invitae Variant Classification Sherloc (09022015). Collection method: clinical testing. Allele origin: germline.
Comment: This sequence change replaces lysine, which is basic and polar, with arginine, which is basic and polar, at codon 267 of the CCDC50 protein (p.Lys267Arg). This variant is present in population databases (rs745516287, gnomAD 0.03%). This variant has not been reported in the literature in individuals affected with CCDC50-related conditions. Algorithms developed to predict the effect of missense changes on protein structure and function are either unavailable or do not agree on the potential impact of this missense change (SIFT: "Tolerated"; PolyPhen-2: "Possibly Damaging"; Align-GVGD: "Class C0"). In summary, the available evidence is currently insufficient to determine the role of this variant in disease. Therefore, it has been classified as a Variant of Uncertain Significance.

Ambry Genetics
Classification: Uncertain significance. Last evaluated: 2022-09-27. Review status: criteria provided, single submitter. Criteria: Ambry Variant Classification Scheme 2023. Collection method: clinical testing. Allele origin: germline.

NM_178335.3(CCDC50):c.800A>G (p.Lys267Arg)

Gene: CCDC50 (coiled-coil domain containing 50; plus strand). Cytogenetic location: 3q28.
Variant type: single nucleotide variant.
Coding change: c.800A>G on transcript NM_178335.3 (MANE Select); coding-DNA position 800, A replaced by G.
Protein change: p.Lys267Arg; replaces lysine 267 with arginine.
Molecular consequence: missense variant. On other transcripts: intron variant (1).
Genome position (GRCh38, 1-based): chr3:191,375,413, A>G. VCF-style: chr3-191375413-A-G. GRCh37 (hg19) VCF-style: chr3-191093202-A-G.
Other names: c.449-4746A>G (NM_174908.4); short protein forms K267R.
Identifiers: ClinVar variation 2370846 (VCV002370846.5), dbSNP rs745516287, ClinGen allele CA2755333.